The following is an entry in ClinVar:

NM_022051.3(EGLN1):c.385G>T (p.Ala129Ser)

Gene: EGLN1 (egl-9 family hypoxia inducible factor 1; minus strand). Cytogenetic location: 1q42.2.
Variant type: single nucleotide variant.
Coding change: c.385G>T on transcript NM_022051.3 (MANE Select); coding-DNA position 385, G replaced by T.
Protein change: p.Ala129Ser; replaces alanine 129 with serine.
Molecular consequence: missense variant.
Genome position (GRCh38, 1-based): chr1:231,421,504, C>A on the plus strand (G>T on the coding strand, the complement: EGLN1 is on the minus strand). VCF-style: chr1-231421504-C-A. GRCh37 (hg19) VCF-style: chr1-231557250-C-A.
Other names: c.385G>T, p.Ala129Ser (NM_001377260.1, NM_001377261.1); short protein forms A129S.
Identifiers: ClinVar variation 1735598 (VCV001735598.6), dbSNP rs1191056306, ClinGen allele CA345237331.

ClinVar aggregate classification (germline): Conflicting classifications of pathogenicity. Review status: criteria provided, conflicting classifications (1 of 4 stars). 2 submissions from 2 submitters: Uncertain significance (1); Likely benign (1). Last evaluated 2025-05-31.

Conditions:
Erythrocytosis, familial, 3 (ECYT3). Identifiers: Orphanet 247511, MedGen C1853286, MONDO:0012353, OMIM 609820.

Allele frequency attached by ClinVar (database versions not stated): gnomAD 0.00001; gnomAD exomes 0.00001.
gnomAD v4.1: 7 of 1,326,900 alleles (0.00053%); highest among the groups gnomAD compares: Non-Finnish European, 0.00067%; no homozygotes.

Submissions (2):

Ambry Genetics
Classification: Likely benign. Last evaluated: 2025-05-31. Review status: criteria provided, single submitter. Criteria: Ambry Variant Classification Scheme 2023. Collection method: clinical testing. Allele origin: germline.

Labcorp Genetics (formerly Invitae), Labcorp
Classification: Uncertain significance for Erythrocytosis, familial, 3. Last evaluated: 2024-08-06. Review status: criteria provided, single submitter. Criteria: Invitae Variant Classification Sherloc (09022015). Collection method: clinical testing. Allele origin: germline.
Comment: This sequence change replaces alanine, which is neutral and non-polar, with serine, which is neutral and polar, at codon 129 of the EGLN1 protein (p.Ala129Ser). This variant is not present in population databases (gnomAD no frequency). This variant has not been reported in the literature in individuals affected with EGLN1-related conditions. ClinVar contains an entry for this variant (Variation ID: 1735598). An algorithm developed to predict the effect of missense changes on protein structure and function (PolyPhen-2) suggests that this variant is likely to be tolerated. In summary, the available evidence is currently insufficient to determine the role of this variant in disease. Therefore, it has been classified as a Variant of Uncertain Significance.